The following is an entry in ClinVar:

NM_133433.4(NIPBL):c.6089A>G (p.Tyr2030Cys)

Gene: NIPBL (NIPBL cohesin loading factor; plus strand). Cytogenetic location: 5p13.2.
Variant type: single nucleotide variant.
Coding change: c.6089A>G on transcript NM_133433.4 (MANE Select); coding-DNA position 6089, A replaced by G.
Protein change: p.Tyr2030Cys; replaces tyrosine 2030 with cysteine.
Molecular consequence: missense variant.
Genome position (GRCh38, 1-based): chr5:37,038,719, A>G. VCF-style: chr5-37038719-A-G. GRCh37 (hg19) VCF-style: chr5-37038821-A-G.
Other names: c.6089A>G, p.Tyr2030Cys (NM_015384.5); short protein forms Y2030C.
Identifiers: ClinVar variation 2633166 (VCV002633166.1), dbSNP rs2478517827, ClinGen allele CA359498742.

ClinVar aggregate classification (germline): Uncertain significance (1 of 4 stars; one submission).

Conditions:
NIPBL-related disorder. Also called: NIPBL-related condition.

Submission:

PreventionGenetics, part of Exact Sciences
Classification: Uncertain significance for NIPBL-related condition. Last evaluated: 2023-04-22. Review status: criteria provided, single submitter. Criteria: ACMG Guidelines, 2015. Collection method: clinical testing. Allele origin: germline.
Comment: The NIPBL c.6089A>G variant is predicted to result in the amino acid substitution p.Tyr2030Cys. To our knowledge, this variant has not been reported in the literature or in a large population database, indicating this variant is rare. At this time, the clinical significance of this variant is uncertain due to the absence of conclusive functional and genetic evidence.